The following is an entry in ClinVar:

ClinVar aggregate classification (germline): Pathogenic. Review status: reviewed by expert panel (3 of 4 stars). 3 submissions from 3 submitters: Pathogenic (1). 2 of the submissions do not count toward it. Last evaluated 2025-03-27.

Conditions:
Leber congenital amaurosis 2 (LCA2). Also called: AMAUROSIS CONGENITA OF LEBER II; Autosomal Recessive RPE65-Related Retinal Degeneration. Identifiers: Orphanet 65, MedGen C1859844, MONDO:0008765, OMIM 204100. Disease mechanism: loss of function.
RPE65-related recessive retinopathy. Also called: Recessive RPE65 retinopathy. Identifiers: MedGen CN305526, MONDO:0100368.

Submissions (3):

ClinGen Leber Congenital Amaurosis/early Onset Retinal Dystrophy Variant Curation Expert Panel, ClinGen
Classification: Pathogenic for RPE65-related recessive retinopathy. Last evaluated: 2025-03-27. Review status: reviewed by expert panel. Criteria: ClinGen LCAeoRD ACMG Specifications RPE65 V1.0.0. Collection method: curation. Allele origin: germline. Inheritance: Autosomal recessive inheritance.
Comment: NM_000329.3(RPE65):c.190C>T (p.Gln64Ter) is a nonsense variant that introduces a premature stop codon into exon 3 of 14, and is predicted to lead to nonsense-mediated decay in a gene (RPE65) in which loss-of-function is an established mechanism of disease (PVS1). This variant is absent from gnomAD v4.1.0 (PM2_Supporting) but has been reported in at least 1 proband with early-onset severe retinal dystrophy who was homozygous for the variant (0.5 points, PMID: 10090910, PM3_Supporting). At least one proband harboring this variant exhibits a phenotype including a clinical diagnosis of Leber congenital amaurosis (0.5 pts) with symptomatic onset between birth and age five years (1 pt). Additional phenotype features included nystagmus (1 pt), inability to follow light or objects, initially normal fundus, which gradually displayed a salt-and-pepper appearance (2 pts) with a reduction in blood-vessel diameter and often the typical appearance of retinitis pigmentosa (0.5 pts). Rod and cone ERG response were totally extinguished (1.5 pts). Together these are highly specific for RPE65-related recessive retinopathy (total 8 points, PMID:10090910, PP4_Moderate). In summary, this variant meets the criteria to be classified as Pathogenic for RPE65-related recessive retinopathy based on the ACMG/AMP criteria applied, as specified by the ClinGen LCA/eoRD VCEP: PVS1, PP4_Moderate, PM3_Supporting, PM2_Supporting. (VCEP specifications version 1.0.0; date of approval 09/21/2023).

Myriad Genetics, Inc.
Classification: Pathogenic for RPE65-related recessive retinopathy. Last evaluated: 2024-05-14. Review status: criteria provided, single submitter. Criteria: Myriad Autosomal Dominant, Autosomal Recessive and X-Linked Classification Criteria (2023). Collection method: clinical testing. Allele origin: unknown. Not counted in ClinVar's aggregate classification.
Comment: NM_000329.2(RPE65):c.190C>T(Q64*) is expected to be pathogenic in the context of inherited retinal dystrophy, RPE65-related. This variant is predicted to lead to an abnormal or absent protein product due to the creation of a premature termination codon in RPE65, a gene where loss-of-function variants are known to be pathogenic. Please note: this variant was assessed in the context of healthy population screening.

Laboratory of Genetics in Ophthalmology, Institut Imagine
Classification: Pathogenic for Leber congenital amaurosis 2. Review status: no assertion criteria provided. Collection method: research. Allele origin: inherited. Affected: yes. Observed: 1 variant allele. Not counted in ClinVar's aggregate classification.

Literature cited by the submitters: PubMed 10090910 (cited by Laboratory of Genetics in Ophthalmology, Institut Imagine).

NM_000329.3(RPE65):c.190C>T (p.Gln64Ter)

Gene: RPE65 (retinoid isomerohydrolase RPE65; minus strand). Cytogenetic location: 1p31.3.
Variant type: single nucleotide variant.
Coding change: c.190C>T on transcript NM_000329.3 (MANE Select); coding-DNA position 190, C replaced by T.
Protein change: p.Gln64Ter; replaces glutamine 64 with a stop codon.
Molecular consequence: nonsense.
Genome position (GRCh38, 1-based): chr1:68,446,765, G>A on the plus strand (C>T on the coding strand, the complement: RPE65 is on the minus strand). VCF-style: chr1-68446765-G-A. GRCh37 (hg19) VCF-style: chr1-68912448-G-A.
Other names: NM_000329.3(RPE65):c.190C>T; p.Gln64Ter; short protein forms Q64*.
Identifiers: ClinVar variation 973954 (VCV000973954.3), dbSNP rs1645945599, ClinGen allele CA340749039.